The following is an entry in ClinVar:

NM_016630.7(SPG21):c.157A>G (p.Ser53Gly)

Gene: SPG21 (SPG21 abhydrolase domain containing, maspardin; minus strand). Cytogenetic location: 15q22.31.
Variant type: single nucleotide variant.
Coding change: c.157A>G on transcript NM_016630.7 (MANE Select); coding-DNA position 157, A replaced by G.
Protein change: p.Ser53Gly; replaces serine 53 with glycine.
Molecular consequence: missense variant.
Genome position (GRCh38, 1-based): chr15:64,980,932, T>C on the plus strand (A>G on the coding strand, the complement: SPG21 is on the minus strand). VCF-style: chr15-64980932-T-C. GRCh37 (hg19) VCF-style: chr15-65273270-T-C.
Other names: c.157A>G, p.Ser53Gly (NM_001127889.5, NM_001127890.5); short protein forms S53G.
Identifiers: ClinVar variation 3068663 (VCV003068663.1), dbSNP rs2085872783, ClinGen allele CA392875479.
Genomic context (GRCh38, chr15:64,980,932, plus strand): 5'-CCCGGTAACCCCATCCAGTCAGAGCCAAAATCTGCCGGAAAAAGACATCTGCAGTTCCAC[T>C]GACAGGGGGCAGGAATATGAGAGGACACCTGATACTTCGGGGGCCCGCGTCATAGAGCGA-3'
Protein context (NP_057714.1, residues 43-63): RCPLIFLPPV[Ser53Gly]GTADVFFRQI

ClinVar aggregate classification (germline): Uncertain significance (1 of 4 stars; one submission).

Conditions:
Mast syndrome. Also called: SPASTIC PARAPLEGIA 21, AUTOSOMAL RECESSIVE. Identifiers: Orphanet 101001, MedGen C1855346, MONDO:0009568, OMIM 248900.

Allele frequency attached by ClinVar (database versions not stated): TOPMed below 0.00001.

Submission:

Molecular Genetics, Royal Melbourne Hospital
Classification: Uncertain significance for Mast syndrome. Last evaluated: 2022-10-06. Review status: criteria provided, single submitter. Criteria: ACMG Guidelines, 2015. Collection method: clinical testing. Allele origin: germline.
Comment: This sequence change in SPG21 is predicted to replace serine with glycine at codon 53, p.(Ser53Gly). The serine residue is highly conserved (100 vertebrates, UCSC), and is not located in an annotated domain. There is a large physicochemical difference between serine and glycine. This variant is absent from the population database gnomAD v2.1 and v3.1. To our knowledge, this variant has not been reported in the relevant literature. Multiple lines of computational evidence predict a deleterious effect for the missense substitution (5/6 algorithms). Based on the classification scheme RMH Modified ACMG Guidelines v1.5.1, this variant is classified as a VARIANT OF UNCERTAIN SIGNIFICANCE. Following criteria are met: PM2_Supporting, PP3.